The following is an entry in ClinVar:

NM_032383.5(HPS3):c.665_666insAGGTGCATTTGGCAGAG (p.His222fs)

Gene: HPS3 (HPS3 biogenesis of lysosomal organelles complex 2 subunit 1; plus strand). Cytogenetic location: 3q24.
Variant type: Insertion.
Coding change: c.665_666insAGGTGCATTTGGCAGAG on transcript NM_032383.5 (MANE Select); coding-DNA positions 665 to 666, AGGTGCATTTGGCAGAG inserted.
Protein change: p.His222fs; shifts the reading frame from histidine 222.
Molecular consequence: frameshift variant. On other transcripts: intron variant (1).
Genome position: GRCh38 VCF-style: chr3-149140451-A-AAGGTGCATTTGGCAGAG. GRCh37 (hg19) VCF-style: chr3-148858238-A-AAGGTGCATTTGGCAGAG.
Other names: c.218-566_218-565insAGGTGCATTTGGCAGAG (NM_001308258.2); short protein forms H222fs.
Identifiers: ClinVar variation 5011054 (VCV005011054.1).

ClinVar aggregate classification (germline): Pathogenic (1 of 4 stars; one submission).

Conditions:
Hermansky-Pudlak syndrome 3 (HPS3). Identifiers: Orphanet 231512, Orphanet 79430, MedGen C3888001, MONDO:0013555, OMIM 614072.

Submission:

Myriad Genetics, Inc.
Classification: Pathogenic for Hermansky-Pudlak syndrome 3. Last evaluated: 2024-05-14. Review status: criteria provided, single submitter. Criteria: Myriad Autosomal Dominant, Autosomal Recessive and X-Linked Classification Criteria (2023). Collection method: clinical testing. Allele origin: unknown.
Comment: NM_032383.3(HPS3):c.665_666ins17(H222Qfs*17) is expected to be pathogenic in the context of Hermansky-Pudlak syndrome, HPS3-related. This variant is predicted to lead to an abnormal or absent protein product due to the creation of a premature termination codon in HPS3, a gene where loss-of-function variants are known to be pathogenic. Please note: this variant was assessed in the context of healthy population screening.